The following is an entry in ClinVar:

ClinVar aggregate classification (germline): Uncertain significance (1 of 4 stars; one submission).

Conditions:
Jeune thoracic dystrophy. Also called: Jeune syndrome; Infantile thoracic dystrophy; Thoracic pelvic phalangeal dystrophy; Jeune's syndrome; Chondroectodermal dysplasia-like syndrome; Short-rib thoracic dysplasia. Identifiers: Orphanet 474, MedGen C0265275, MONDO:0018770.

Allele frequency attached by ClinVar (database versions not stated): gnomAD 0.00001; gnomAD exomes 0.00001; TOPMed 0.00001; ExAC 0.00002.
gnomAD v4.1: 8 of 1,591,950 alleles (0.0005%); highest among the groups gnomAD compares: Admixed American, 0.014%; no homozygotes.

Submission:

Labcorp Genetics (formerly Invitae), Labcorp
Classification: Uncertain significance for Jeune thoracic dystrophy. Last evaluated: 2024-10-25. Review status: criteria provided, single submitter. Criteria: Invitae Variant Classification Sherloc (09022015). Collection method: clinical testing. Allele origin: germline.
Comment: This sequence change replaces isoleucine, which is neutral and non-polar, with valine, which is neutral and non-polar, at codon 2791 of the DYNC2H1 protein (p.Ile2791Val). This variant is present in population databases (rs765023419, gnomAD 0.02%). This variant has not been reported in the literature in individuals affected with DYNC2H1-related conditions. ClinVar contains an entry for this variant (Variation ID: 1982345). Invitae Evidence Modeling of protein sequence and biophysical properties (such as structural, functional, and spatial information, amino acid conservation, physicochemical variation, residue mobility, and thermodynamic stability) indicates that this missense variant is not expected to disrupt DYNC2H1 protein function with a negative predictive value of 95%. In summary, the available evidence is currently insufficient to determine the role of this variant in disease. Therefore, it has been classified as a Variant of Uncertain Significance.

NM_001377.3(DYNC2H1):c.8371A>G (p.Ile2791Val)

Gene: DYNC2H1 (dynein cytoplasmic 2 heavy chain 1; plus strand). Cytogenetic location: 11q22.3.
Variant type: single nucleotide variant.
Coding change: c.8371A>G on transcript NM_001377.3 (MANE Select); coding-DNA position 8371, A replaced by G.
Protein change: p.Ile2791Val; replaces isoleucine 2791 with valine.
Molecular consequence: missense variant.
Genome position (GRCh38, 1-based): chr11:103,204,881, A>G. VCF-style: chr11-103204881-A-G. GRCh37 (hg19) VCF-style: chr11-103075610-A-G.
Other names: c.8371A>G, p.Ile2791Val (NM_001080463.2); short protein forms I2791V.
Identifiers: ClinVar variation 1982345 (VCV001982345.2), dbSNP rs765023419, ClinGen allele CA6254450.